The following is an entry in ClinVar:

ClinVar aggregate classification (germline): Uncertain significance. Review status: criteria provided, multiple submitters, no conflicts (2 of 4 stars). 2 submissions from 2 submitters: Uncertain significance (2). Last evaluated 2025-12-08.

Conditions:
Inborn genetic diseases. Identifiers: MedGen C0950123, MeSH D030342.

Allele frequency attached by ClinVar (database versions not stated): gnomAD 0.00001; gnomAD exomes below 0.00001 and 0.00001; ExAC 0.00001; TOPMed 0.00002.

Submissions (2):

Ambry Genetics
Classification: Uncertain significance for Inborn genetic diseases. Last evaluated: 2025-12-08. Review status: criteria provided, single submitter. Criteria: Ambry Variant Classification Scheme 2023. Collection method: clinical testing. Allele origin: germline.

Labcorp Genetics (formerly Invitae), Labcorp
Classification: Uncertain significance. Last evaluated: 2022-01-13. Review status: criteria provided, single submitter. Criteria: Invitae Variant Classification Sherloc (09022015). Collection method: clinical testing. Allele origin: germline.
Comment: This sequence change replaces methionine, which is neutral and non-polar, with isoleucine, which is neutral and non-polar, at codon 97 of the PLOD2 protein (p.Met97Ile). This variant is present in population databases (rs202016606, gnomAD 0.003%). This variant has not been reported in the literature in individuals affected with PLOD2-related conditions. Algorithms developed to predict the effect of missense changes on protein structure and function (SIFT, PolyPhen-2, Align-GVGD) all suggest that this variant is likely to be tolerated. In summary, the available evidence is currently insufficient to determine the role of this variant in disease. Therefore, it has been classified as a Variant of Uncertain Significance.

NM_182943.3(PLOD2):c.291G>A (p.Met97Ile)

Gene: PLOD2 (procollagen-lysine,2-oxoglutarate 5-dioxygenase 2; minus strand). Cytogenetic location: 3q24.
Variant type: single nucleotide variant.
Coding change: c.291G>A on transcript NM_182943.3 (MANE Select); coding-DNA position 291, G replaced by A.
Protein change: p.Met97Ile; replaces methionine 97 with isoleucine.
Molecular consequence: missense variant.
Genome position (GRCh38, 1-based): chr3:146,121,159, C>T on the plus strand (G>A on the coding strand, the complement: PLOD2 is on the minus strand). VCF-style: chr3-146121159-C-T. GRCh37 (hg19) VCF-style: chr3-145838946-C-T.
Other names: c.291G>A (NM_000935.2); c.291G>A, p.Met97Ile (NM_000935.3); short protein forms M97I.
Identifiers: ClinVar variation 1405859 (VCV001405859.5), dbSNP rs202016606, ClinGen allele CA2655295.